The following is an entry in ClinVar:

ClinVar aggregate classification (germline): Uncertain significance (1 of 4 stars; one submission).

Conditions:
Long QT syndrome (LQTS). Identifiers: MedGen C0023976, MeSH D008133, MONDO:0002442. Disease mechanism: loss of function. Inheritance: Various modes of inheritance.

Submission:

Labcorp Genetics (formerly Invitae), Labcorp
Classification: Uncertain significance for Long QT syndrome. Last evaluated: 2022-07-19. Review status: criteria provided, single submitter. Criteria: Invitae Variant Classification Sherloc (09022015). Collection method: clinical testing. Allele origin: germline.
Comment: In summary, the available evidence is currently insufficient to determine the role of this variant in disease. Therefore, it has been classified as a Variant of Uncertain Significance. Algorithms developed to predict the effect of missense changes on protein structure and function are either unavailable or do not agree on the potential impact of this missense change (SIFT: "Deleterious"; PolyPhen-2: "Benign"; Align-GVGD: "Class C0"). ClinVar contains an entry for this variant (Variation ID: 1445218). This variant has not been reported in the literature in individuals affected with ANK2-related conditions. This variant is not present in population databases (gnomAD no frequency). This sequence change replaces threonine, which is neutral and polar, with isoleucine, which is neutral and non-polar, at codon 2654 of the ANK2 protein (p.Thr2654Ile).

NM_001148.6(ANK2):c.7961C>T (p.Thr2654Ile)

Genes: ANK2 (ankyrin 2; plus strand), LOC126807137 (CDK7 strongly-dependent group 2 enhancer GRCh37_chr4:114276560-114277759; plus strand). Cytogenetic location: 4q26.
Variant type: single nucleotide variant.
Coding change: c.7961C>T on transcript NM_001148.6 (MANE Select); coding-DNA position 7961, C replaced by T.
Protein change: p.Thr2654Ile; replaces threonine 2654 with isoleucine.
Molecular consequence: missense variant. On other transcripts: intron variant (68).
Genome position (GRCh38, 1-based): chr4:113,356,579, C>T. VCF-style: chr4-113356579-C-T. GRCh37 (hg19) VCF-style: chr4-114277735-C-T.
Other names: c.7727C>T, p.Thr2576Ile (NM_001386142.1); c.4361C>T, p.Thr1454Ile (NM_001386166.1); c.8102C>T, p.Thr2701Ile (NM_001386174.1); c.8078C>T, p.Thr2693Ile (NM_001386175.1); c.4412-4244C>T (NM_001386186.2, NM_001386148.2); c.4214-4244C>T (NM_001354269.3); c.4292-4244C>T (NM_001386187.2); c.4253-4244C>T (NM_001386147.1); and 35 more; short protein forms T2576I, T2654I, T2693I, T1454I, T2701I.
Identifiers: ClinVar variation 1445218 (VCV001445218.8), dbSNP rs2154025865, ClinGen allele CA357932744.